The following is an entry in ClinVar:

NM_016734.3(PAX5):c.473T>C (p.Ile158Thr)

Genes: PAX5 (paired box 5; minus strand), LOC105376032 (uncharacterized LOC105376032; plus strand). Cytogenetic location: 9p13.2.
Variant type: single nucleotide variant.
Coding change: c.473T>C on transcript NM_016734.3 (MANE Select); coding-DNA position 473, T replaced by C.
Protein change: p.Ile158Thr; replaces isoleucine 158 with threonine.
Molecular consequence: missense variant. On other transcripts: non-coding transcript variant (2).
Genome position (GRCh38, 1-based): chr9:37,006,475, A>G on the plus strand (T>C on the coding strand, the complement: PAX5 is on the minus strand). VCF-style: chr9-37006475-A-G. GRCh37 (hg19) VCF-style: chr9-37006472-A-G.
Other names: c.473T>C, p.Ile158Thr (NM_001280547.2, NM_001280548.2, NM_001280549.2 and 4 more transcripts); c.149T>C, p.Ile50Thr (NM_001280551.2, NM_001280556.2); c.275T>C, p.Ile92Thr (NM_001280555.2); short protein forms I158T, I50T, I92T.
Identifiers: ClinVar variation 4843873 (VCV004843873.1).
Genomic context (GRCh38, chr9:37,006,475, plus strand): 5'-TCTTTAGAATATTTGGAGCCCATTAGATTTTTAAATTTTTTTTAAAAGTTCCTCTTACCT[A>G]TGCTGTGACTGGAAGCTGGGACTGGTTGGTTGGGTGGCTGCTGTACTTTTGTCCGGATGA-3'
Protein context (NP_057953.1, residues 148-168): NQPVPASSHS[Ile158Thr]VSTGSVTQVS

ClinVar aggregate classification (germline): Uncertain significance (1 of 4 stars; one submission).

Conditions:
Inborn genetic diseases. Identifiers: MedGen C0950123, MeSH D030342.

gnomAD v4.1: 1 of 1,612,650 alleles (0.000062%); highest among the groups gnomAD compares: Non-Finnish European, 0.000085%; no homozygotes.

Submission:

Ambry Genetics
Classification: Uncertain significance for Inborn genetic diseases. Last evaluated: 2025-12-17. Review status: criteria provided, single submitter. Criteria: Ambry Variant Classification Scheme 2023. Collection method: clinical testing. Allele origin: germline.
Comment: The p.I158T variant (also known as c.473T>C), located in coding exon 4 of the PAX5 gene, results from a T to C substitution at nucleotide position 473. The isoleucine at codon 158 is replaced by threonine, an amino acid with similar properties. This amino acid position is conserved. In addition, this alteration is predicted to be deleterious by in silico analysis. Based on the available evidence, the clinical significance of this variant remains unclear.